The following is an entry in ClinVar:

ClinVar aggregate classification (germline): Pathogenic (1 of 4 stars; one submission).

Conditions:
Primary ciliary dyskinesia 3. Identifiers: Orphanet 244, MedGen C1837618, MONDO:0012085, OMIM 608644.

Submission:

Myriad Genetics, Inc.
Classification: Pathogenic for Primary ciliary dyskinesia 3. Last evaluated: 2024-05-14. Review status: criteria provided, single submitter. Criteria: Myriad Autosomal Dominant, Autosomal Recessive and X-Linked Classification Criteria (2023). Collection method: clinical testing. Allele origin: unknown.
Comment: NM_001369.2(DNAH5):c.4266_4267ins10(I1423Sfs*9) is expected to be pathogenic in the context of primary ciliary dyskinesia, DNAH5-related. This variant is predicted to lead to an abnormal or absent protein product due to the creation of a premature termination codon in DNAH5, a gene where loss-of-function variants are known to be pathogenic. Please note: this variant was assessed in the context of healthy population screening.

NM_001369.3(DNAH5):c.4266_4267insTCTTATACAC (p.Ile1423fs)

Genes: DNAH5 (dynein axonemal heavy chain 5; minus strand), DNAH5-AS1 (DNAH5 antisense RNA 1; plus strand). Cytogenetic location: 5p15.2.
Variant type: Microsatellite.
Coding change: c.4266_4267insTCTTATACAC on transcript NM_001369.3 (MANE Select); coding-DNA positions 4266 to 4267, TCTTATACAC inserted.
Protein change: p.Ile1423fs; shifts the reading frame from isoleucine 1423.
Molecular consequence: frameshift variant.
Genome position: GRCh38 VCF-style: chr5-13865756-T-TGTGTATAAGA. GRCh37 (hg19) VCF-style: chr5-13865865-T-TGTGTATAAGA.
Other names: short protein forms I1423fs.
Identifiers: ClinVar variation 5010438 (VCV005010438.1).